The following is an entry in ClinVar:

ClinVar aggregate classification (germline): Uncertain significance (1 of 4 stars; one submission).

Conditions:
Inborn genetic diseases. Identifiers: MedGen C0950123, MeSH D030342.

Submission:

Ambry Genetics
Classification: Uncertain significance for Inborn genetic diseases. Last evaluated: 2026-01-25. Review status: criteria provided, single submitter. Criteria: Ambry Variant Classification Scheme 2023. Collection method: clinical testing. Allele origin: germline.
Comment: The p.D60Y variant (also known as c.178G>T), located in coding exon 3 of the DPYD gene, results from a G to T substitution at nucleotide position 178. The aspartic acid at codon 60 is replaced by tyrosine, an amino acid with highly dissimilar properties. This amino acid position is conserved. In addition, this alteration is predicted to be deleterious by in silico analysis. Based on the available evidence, the clinical significance of this variant remains unclear.

NM_000110.4(DPYD):c.178G>T (p.Asp60Tyr)

Gene: DPYD (dihydropyrimidine dehydrogenase; minus strand). Cytogenetic location: 1p21.3.
Variant type: single nucleotide variant.
Coding change: c.178G>T on transcript NM_000110.4 (MANE Select); coding-DNA position 178, G replaced by T.
Protein change: p.Asp60Tyr; replaces aspartic acid 60 with tyrosine.
Molecular consequence: missense variant.
Genome position (GRCh38, 1-based): chr1:97,828,169, C>A on the plus strand (G>T on the coding strand, the complement: DPYD is on the minus strand). VCF-style: chr1-97828169-C-A. GRCh37 (hg19) VCF-style: chr1-98293725-C-A.
Other names: c.178G>T, p.Asp60Tyr (NM_001160301.1); short protein forms D60Y.
Identifiers: ClinVar variation 4825332 (VCV004825332.1).